The following is an entry in ClinVar:

ClinVar aggregate classification (germline): Uncertain significance (1 of 4 stars; one submission).

Allele frequency attached by ClinVar (database versions not stated): TOPMed below 0.00001.
gnomAD v4.1: 6 of 1,550,736 alleles (0.00039%); highest among the groups gnomAD compares: Admixed American, 0.002%; no homozygotes.

Submission:

Labcorp Genetics (formerly Invitae), Labcorp
Classification: Uncertain significance. Last evaluated: 2022-07-14. Review status: criteria provided, single submitter. Criteria: Invitae Variant Classification Sherloc (09022015). Collection method: clinical testing. Allele origin: germline.
Comment: This sequence change replaces leucine, which is neutral and non-polar, with phenylalanine, which is neutral and non-polar, at codon 1600 of the UNC80 protein (p.Leu1600Phe). This variant is not present in population databases (gnomAD no frequency). This variant has not been reported in the literature in individuals affected with UNC80-related conditions. Algorithms developed to predict the effect of missense changes on protein structure and function are either unavailable or do not agree on the potential impact of this missense change (SIFT: "Not Available"; PolyPhen-2: "Probably Damaging"; Align-GVGD: "Not Available"). In summary, the available evidence is currently insufficient to determine the role of this variant in disease. Therefore, it has been classified as a Variant of Uncertain Significance.

NM_001371986.1(UNC80):c.4996C>T (p.Leu1666Phe)

Gene: UNC80 (unc-80 homolog, NALCN channel complex subunit; plus strand). Cytogenetic location: 2q34.
Variant type: single nucleotide variant.
Coding change: c.4996C>T on transcript NM_001371986.1 (MANE Select); coding-DNA position 4996, C replaced by T.
Protein change: p.Leu1666Phe; replaces leucine 1666 with phenylalanine.
Molecular consequence: missense variant.
Genome position (GRCh38, 1-based): chr2:209,913,907, C>T. VCF-style: chr2-209913907-C-T. GRCh37 (hg19) VCF-style: chr2-210778631-C-T.
Other names: c.4798C>T, p.Leu1600Phe (NM_032504.2); c.4783C>T, p.Leu1595Phe (NM_182587.4); short protein forms L1600F, L1595F, L1666F.
Identifiers: ClinVar variation 1963341 (VCV001963341.2), dbSNP rs2089234413, ClinGen allele CA350756974.